The following is an entry in ClinVar:

ClinVar aggregate classification (germline): Pathogenic (1 of 4 stars; one submission).

Conditions:
Pontocerebellar hypoplasia type 2E. Identifiers: Orphanet 247198, MedGen C4014488, MONDO:0014370, OMIM 615851.

Submission:

Myriad Genetics, Inc.
Classification: Pathogenic for Pontocerebellar hypoplasia type 2E. Last evaluated: 2026-05-03. Review status: criteria provided, single submitter. Criteria: Myriad Autosomal Dominant, Autosomal Recessive and X-Linked Classification Criteria (2023). Collection method: clinical testing. Allele origin: unknown.
Comment: NM_001128159.2(VPS53):c.1734delT(D578Efs*2) is expected to be pathogenic in the context of pontocerebellar hypoplasia, VPS53-related. This variant is predicted to lead to an abnormal or absent protein product due to the creation of a premature termination codon in VPS53, a gene where loss-of-function variants are known to be pathogenic. Please note: this variant was assessed in the context of healthy population screening.

NM_001128159.3(VPS53):c.1734del (p.Asp578fs)

Gene: VPS53 (VPS53 subunit of GARP complex; minus strand). Cytogenetic location: 17p13.3.
Variant type: Deletion.
Coding change: c.1734del on transcript NM_001128159.3 (MANE Select); coding-DNA position 1734, one base deleted (T; older notation c.1734delT).
Protein change: p.Asp578fs; shifts the reading frame from aspartic acid 578.
Molecular consequence: frameshift variant.
Genome position (GRCh38, 1-based): chr17:553,433, A deleted on the plus strand (T on the coding strand, the reverse complement: VPS53 is on the minus strand). VCF-style (leftmost placement, unchanged base first): chr17-553432-CA-C. GRCh37 (hg19) VCF-style: chr17-456672-CA-C.
Other names: c.1734del, p.Asp578fs (NM_001366253.2); c.1140del, p.Asp380fs (NM_001366254.2); c.1647del, p.Asp549fs (NM_018289.4); short protein forms D380fs, D549fs, D578fs.
Identifiers: ClinVar variation 5015868 (VCV005015868.1).
Genomic context (GRCh38, chr17:553,432, plus strand): 5'-GTACATACGTGCTGAACGTGTCCATCTCTCCAGTCAGATTGATTCGTTCAATCAGACTTA[CA>C]TCCACTTTTTCTTTGAGTTTTTCTTCTAGCTGTTGAAAAACAGAAGAAATGGATGCACGG-3'